The following is an entry in ClinVar:

ClinVar aggregate classification (germline): Uncertain significance (1 of 4 stars; one submission).

Conditions:
Arrhinia with choanal atresia and microphthalmia syndrome. Also called: ARHINIA, CHOANAL ATRESIA, MICROPHTHALMIA, AND HYPOGONADOTROPIC HYPOGONADISM; Arrhinia-choanal atresia-microphthalmia syndrome; Arhinia, choanal atresia, and microphthalmia. Identifiers: Orphanet 1135, Orphanet 2250, MedGen C1863878, MONDO:0011323, OMIM 603457.

Submission:

Illumina Laboratory Services, Illumina
Classification: Uncertain significance for Arrhinia with choanal atresia and microphthalmia syndrome. Last evaluated: 2019-02-26. Review status: criteria provided, single submitter. Criteria: ICSLVariantClassificationCriteria RUGD 01 April 2020. Collection method: clinical testing. Allele origin: unknown.
Comment: The SMCHD1 c.4823T>G (p.Ile1608Ser) variant is a missense variant. A literature search was performed for the for the gene, cDNA, and amino acid change. No publications were found based on this search. This variant is not found in the Genome Aggregation Database in a region of good sequence coverage so the variant is presumed to be rare. Most reported patients with this condition have de novo missense variants in the ATPase domain (residues 111-702). Based on the currently limited evidence, the p.Ile1608Ser variant is classified as a variant of uncertain significance for Bosma arhinia microphthalmia syndrome.

NM_015295.3(SMCHD1):c.4823T>G (p.Ile1608Ser)

Gene: SMCHD1 (structural maintenance of chromosomes flexible hinge domain containing 1; plus strand). Cytogenetic location: 18p11.32.
Variant type: single nucleotide variant.
Coding change: c.4823T>G on transcript NM_015295.3 (MANE Select); coding-DNA position 4823, T replaced by G.
Protein change: p.Ile1608Ser; replaces isoleucine 1608 with serine.
Molecular consequence: missense variant.
Genome position (GRCh38, 1-based): chr18:2,769,797, T>G. VCF-style: chr18-2769797-T-G. GRCh37 (hg19) VCF-style: chr18-2769795-T-G.
Other names: short protein forms I1608S.
Identifiers: ClinVar variation 989325 (VCV000989325.4), dbSNP rs2075942900, ClinGen allele CA401681861.
Genomic context (GRCh38, chr18:2,769,797, plus strand): 5'-AATATTTTATTGTATTTGAGCCCCGGCTACCACTTTTATCAAGAACCTTAGAACCATATA[T>G]CCTACCGTTCATGTTTTACAATGGTAAGTTTCTAGGAAATAAATGGTTAAACTCCGTTGT-3'
Protein context (NP_056110.2, residues 1598-1618): PLLSRTLEPY[Ile1608Ser]LPFMFYNDVK